The following is an entry in ClinVar:

NM_002335.4(LRP5):c.2092A>G (p.Thr698Ala)

Gene: LRP5 (LDL receptor related protein 5; plus strand). Cytogenetic location: 11q13.2.
Variant type: single nucleotide variant.
Coding change: c.2092A>G on transcript NM_002335.4 (MANE Select); coding-DNA position 2092, A replaced by G.
Protein change: p.Thr698Ala; replaces threonine 698 with alanine.
Molecular consequence: missense variant.
Genome position (GRCh38, 1-based): chr11:68,409,914, A>G. VCF-style: chr11-68409914-A-G. GRCh37 (hg19) VCF-style: chr11-68177382-A-G.
Other names: c.2092A>G (NM_002335.2); c.349A>G, p.Thr117Ala (NM_001291902.2); short protein forms T117A, T698A.
Identifiers: ClinVar variation 2124415 (VCV002124415.6), dbSNP rs1196921878, ClinGen allele CA381616250.

ClinVar aggregate classification (germline): Uncertain significance. Review status: criteria provided, multiple submitters, no conflicts (2 of 4 stars). 3 submissions from 3 submitters: Uncertain significance (3). Last evaluated 2025-09-17.

Conditions:
Inborn genetic diseases. Identifiers: MedGen C0950123, MeSH D030342.

Allele frequency attached by ClinVar (database versions not stated): gnomAD exomes 0.00001.
gnomAD v4.1: 3 of 1,612,282 alleles (0.00019%); highest among the groups gnomAD compares: Admixed American, 0.005%; no homozygotes.

Submissions (3):

Labcorp Genetics (formerly Invitae), Labcorp
Classification: Uncertain significance. Last evaluated: 2025-09-17. Review status: criteria provided, single submitter. Criteria: Invitae Variant Classification Sherloc (09022015). Collection method: clinical testing. Allele origin: germline.
Comment: This sequence change replaces threonine, which is neutral and polar, with alanine, which is neutral and non-polar, at codon 698 of the LRP5 protein (p.Thr698Ala). This variant is present in population databases (no rsID available, gnomAD 0.006%). This variant has not been reported in the literature in individuals affected with LRP5-related conditions. ClinVar contains an entry for this variant (Variation ID: 2124415). An algorithm developed to predict the effect of missense changes on protein structure and function (PolyPhen-2) suggests that this variant is likely to be tolerated. In summary, the available evidence is currently insufficient to determine the role of this variant in disease. Therefore, it has been classified as a Variant of Uncertain Significance.

Ambry Genetics
Classification: Uncertain significance for Inborn genetic diseases. Last evaluated: 2025-08-12. Review status: criteria provided, single submitter. Criteria: Ambry Variant Classification Scheme 2023. Collection method: clinical testing. Allele origin: germline.

GeneDx
Classification: Uncertain significance. Last evaluated: 2023-04-27. Review status: criteria provided, single submitter. Criteria: GeneDx Variant Classification Process June 2021. Collection method: clinical testing. Allele origin: germline. Affected: yes.
Comment: In silico analysis supports that this missense variant does not alter protein structure/function; Has not been previously published as pathogenic or benign to our knowledge